The following is an entry in ClinVar:

NM_001127511.3(APC):c.46T>G (p.Ser16Ala)

Gene: APC (APC regulator of Wnt signaling pathway; plus strand). Cytogenetic location: 5q22.2.
Variant type: single nucleotide variant.
Coding change: c.46T>G on transcript NM_001127511.3; coding-DNA position 46, T replaced by G.
Protein change: p.Ser16Ala; replaces serine 16 with alanine.
Molecular consequence: missense variant. On other transcripts: 5 prime UTR variant (8), non-coding transcript variant (1), intron variant (5).
Genome position (GRCh38, 1-based): chr5:112,707,763, T>G. VCF-style: chr5-112707763-T-G. GRCh37 (hg19) VCF-style: chr5-112043460-T-G.
Other names: c.-138T>G (NM_001354895.2, NM_001407447.1, NM_001407452.1 and 3 more transcripts); c.46T>G, p.Ser16Ala (NM_001354897.2, NM_001354902.2, NM_001407446.1); c.-1173T>G (NM_001407470.1, NM_001407472.1); c.-19+114T>G (NM_001407448.1, NM_001407450.1, NM_001407457.1 and 1 more transcripts); c.-43+114T>G (NM_001407453.1); short protein forms S16A.
Identifiers: ClinVar variation 1043173 (VCV001043173.7), dbSNP rs1554060278, ClinGen allele CA360611744.

ClinVar aggregate classification (germline): Uncertain significance (1 of 4 stars; one submission).

Conditions:
Familial adenomatous polyposis 1 (FAP1). Also called: FAMILIAL ADENOMATOUS POLYPOSIS 1, ATTENUATED; POLYPOSIS, ADENOMATOUS INTESTINAL. Identifiers: MedGen C2713442, MONDO:0021056, OMIM 175100. Disease mechanism: loss of function.

Submission:

Labcorp Genetics (formerly Invitae), Labcorp
Classification: Uncertain significance for Familial adenomatous polyposis 1. Last evaluated: 2025-02-12. Review status: criteria provided, single submitter. Criteria: Invitae Variant Classification Sherloc (09022015). Collection method: clinical testing. Allele origin: germline.
Comment: This variant occurs in a non-coding region of the APC gene. It does not change the encoded amino acid sequence of the APC protein. This variant is not present in population databases (gnomAD no frequency). This variant has not been reported in the literature in individuals affected with APC-related conditions. Experimental studies and prediction algorithms are not available or were not evaluated, and the functional significance of this variant is currently unknown. In summary, the available evidence is currently insufficient to determine the role of this variant in disease. Therefore, it has been classified as a Variant of Uncertain Significance.